The following is an entry in ClinVar:

NM_001939.3(DRP2):c.2414G>T (p.Arg805Leu)

Gene: DRP2 (dystrophin related protein 2; plus strand). Cytogenetic location: Xq22.1.
Variant type: single nucleotide variant.
Coding change: c.2414G>T on transcript NM_001939.3 (MANE Select); coding-DNA position 2414, G replaced by T.
Protein change: p.Arg805Leu; replaces arginine 805 with leucine.
Molecular consequence: missense variant.
Genome position (GRCh38, 1-based): chrX:101,258,332, G>T. VCF-style: chrX-101258332-G-T. GRCh37 (hg19) VCF-style: chrX-100513321-G-T.
Other names: c.2180G>T, p.Arg727Leu (NM_001171184.2); short protein forms R727L, R805L.
Identifiers: ClinVar variation 1715446 (VCV001715446.5), dbSNP rs1239457122, ClinGen allele CA413909536.
Genomic context (GRCh38, chrX:101,258,332, plus strand): 5'-TTAGAGCCATAGGTCTTGGTGTCTCTCTCCATGGCAGGATTCTCCAGGGAGAGCTGAGGC[G>T]CCTGAAGTGGCAGCATGAGGAGGCAGCTGAGGCACCCAGTCTGGCTGACGGCTCCACTGA-3'
Protein context (NP_001930.2, residues 795-815): ENRILQGELR[Arg805Leu]LKWQHEEAAE

ClinVar aggregate classification (germline): Uncertain significance (1 of 4 stars; one submission).

Submission:

Labcorp Genetics (formerly Invitae), Labcorp
Classification: Uncertain significance. Last evaluated: 2022-08-07. Review status: criteria provided, single submitter. Criteria: Invitae Variant Classification Sherloc (09022015). Collection method: clinical testing. Allele origin: germline.
Comment: In summary, the available evidence is currently insufficient to determine the role of this variant in disease. Therefore, it has been classified as a Variant of Uncertain Significance. Algorithms developed to predict the effect of missense changes on protein structure and function (SIFT, PolyPhen-2, Align-GVGD) all suggest that this variant is likely to be disruptive. This variant has not been reported in the literature in individuals affected with DRP2-related conditions. This variant is not present in population databases (gnomAD no frequency). This sequence change replaces arginine, which is basic and polar, with leucine, which is neutral and non-polar, at codon 805 of the DRP2 protein (p.Arg805Leu).